The following is an entry in ClinVar:

ClinVar aggregate classification (germline): Uncertain significance (1 of 4 stars; one submission).

Conditions:
Ehlers-Danlos syndrome, dermatosparaxis type. Also called: EDS VIIC; Dermatosparaxis; Ehlers-Danlos syndrome, type VII, autosomal recessive. Identifiers: Orphanet 1901, MedGen C2700425, MONDO:0009161, OMIM 225410.

Allele frequency attached by ClinVar (database versions not stated): TOPMed below 0.00001.
gnomAD v4.1: 7 of 1,606,112 alleles (0.00044%); highest among the groups gnomAD compares: Non-Finnish European, 0.00059%; no homozygotes.

Submission:

Labcorp Genetics (formerly Invitae), Labcorp
Classification: Uncertain significance for Ehlers-Danlos syndrome, dermatosparaxis type. Last evaluated: 2021-12-24. Review status: criteria provided, single submitter. Criteria: Invitae Variant Classification Sherloc (09022015). Collection method: clinical testing. Allele origin: germline.
Comment: This sequence change replaces aspartic acid, which is acidic and polar, with glutamic acid, which is acidic and polar, at codon 469 of the ADAMTS2 protein (p.Asp469Glu). This variant is not present in population databases (gnomAD no frequency). This variant has not been reported in the literature in individuals affected with ADAMTS2-related conditions. Algorithms developed to predict the effect of missense changes on protein structure and function (SIFT, PolyPhen-2, Align-GVGD) all suggest that this variant is likely to be disruptive. In summary, the available evidence is currently insufficient to determine the role of this variant in disease. Therefore, it has been classified as a Variant of Uncertain Significance.

NM_014244.5(ADAMTS2):c.1407C>A (p.Asp469Glu)

Gene: ADAMTS2 (ADAM metallopeptidase with thrombospondin type 1 motif 2; minus strand). Cytogenetic location: 5q35.3.
Variant type: single nucleotide variant.
Coding change: c.1407C>A on transcript NM_014244.5 (MANE Select); coding-DNA position 1407, C replaced by A.
Protein change: p.Asp469Glu; replaces aspartic acid 469 with glutamic acid.
Molecular consequence: missense variant.
Genome position (GRCh38, 1-based): chr5:179,153,599, G>T on the plus strand (C>A on the coding strand, the complement: ADAMTS2 is on the minus strand). VCF-style: chr5-179153599-G-T. GRCh37 (hg19) VCF-style: chr5-178580600-G-T.
Other names: c.1407C>A, p.Asp469Glu (NM_021599.4); short protein forms D469E.
Identifiers: ClinVar variation 1901632 (VCV001901632.5), dbSNP rs1763409611, ClinGen allele CA362432856.